The following is an entry in ClinVar:

NM_020937.4(FANCM):c.1931A>G (p.His644Arg)

Gene: FANCM (FA complementation group M; plus strand). Cytogenetic location: 14q21.2.
Variant type: single nucleotide variant.
Coding change: c.1931A>G on transcript NM_020937.4 (MANE Select); coding-DNA position 1931, A replaced by G.
Protein change: p.His644Arg; replaces histidine 644 with arginine.
Molecular consequence: missense variant.
Genome position (GRCh38, 1-based): chr14:45,167,092, A>G. VCF-style: chr14-45167092-A-G. GRCh37 (hg19) VCF-style: chr14-45636295-A-G.
Other names: c.1853A>G, p.His618Arg (NM_001308133.2); c.1931A>G, p.His644Arg (NM_001308134.2); short protein forms H644R, H618R.
Identifiers: ClinVar variation 2909564 (VCV002909564.3), dbSNP rs1386562227, ClinGen allele CA389595086.

ClinVar aggregate classification (germline): Uncertain significance (1 of 4 stars; one submission).

Conditions:
Fanconi anemia (FA). Also called: Fanconi's anemia. Identifiers: Orphanet 84, MedGen C0015625, MeSH D005199, MONDO:0019391.

Allele frequency attached by ClinVar (database versions not stated): TOPMed below 0.00001; gnomAD 0.00001.
gnomAD v4.1: 3 of 1,613,286 alleles (0.00019%); highest among the groups gnomAD compares: East Asian, 0.0022%; no homozygotes.

Submission:

Labcorp Genetics (formerly Invitae), Labcorp
Classification: Uncertain significance for Fanconi anemia. Last evaluated: 2023-09-11. Review status: criteria provided, single submitter. Criteria: Invitae Variant Classification Sherloc (09022015). Collection method: clinical testing. Allele origin: germline.
Comment: An algorithm developed to predict the effect of missense changes on protein structure and function (PolyPhen-2) suggests that this variant is likely to be tolerated. In summary, the available evidence is currently insufficient to determine the role of this variant in disease. Therefore, it has been classified as a Variant of Uncertain Significance. This sequence change replaces histidine, which is basic and polar, with arginine, which is basic and polar, at codon 644 of the FANCM protein (p.His644Arg). This variant is present in population databases (no rsID available, gnomAD 0.06%). This variant has not been reported in the literature in individuals affected with FANCM-related conditions.